The following is an entry in ClinVar:

NM_005422.4(TECTA):c.3845G>T (p.Gly1282Val)

Genes: TBCEL-TECTA (TBCEL-TECTA readthrough; plus strand), TECTA (tectorin alpha; plus strand). Cytogenetic location: 11q23.3.
Variant type: single nucleotide variant.
Coding change: c.3845G>T on transcript NM_005422.4 (MANE Select); coding-DNA position 3845, G replaced by T.
Protein change: p.Gly1282Val; replaces glycine 1282 with valine.
Molecular consequence: missense variant.
Genome position (GRCh38, 1-based): chr11:121,145,856, G>T. VCF-style: chr11-121145856-G-T. GRCh37 (hg19) VCF-style: chr11-121016565-G-T.
Other names: c.4802G>T, p.Gly1601Val (NM_001378761.1); short protein forms G1282V, G1601V.
Identifiers: ClinVar variation 2502751 (VCV002502751.4), dbSNP rs374614757, ClinGen allele CA6327298.

ClinVar aggregate classification (germline): Conflicting classifications of pathogenicity. Review status: criteria provided, conflicting classifications (1 of 4 stars). 4 submissions from 4 submitters: Uncertain significance (3); Likely benign (1). Last evaluated 2025-12-23.

Conditions:
TECTA-related disorder. Also called: TECTA-related condition.
Inborn genetic diseases. Identifiers: MedGen C0950123, MeSH D030342.

Allele frequency attached by ClinVar (database versions not stated): gnomAD exomes 0.00001; ExAC 0.00002; ESP Exome Variant Server 0.00008; TOPMed 0.00014.
gnomAD v4.1: 21 of 1,614,094 alleles (0.0013%); highest among the groups gnomAD compares: African/African-American, 0.021%; no homozygotes.

Submissions (4):

PreventionGenetics, part of Exact Sciences
Classification: Uncertain significance for TECTA-related condition. Last evaluated: 2025-12-23. Review status: criteria provided, single submitter. Criteria: ACMG Guidelines, 2015. Collection method: clinical testing. Allele origin: germline.
Comment: The TECTA c.3845G>T variant is predicted to result in the amino acid substitution p.Gly1282Val. To our knowledge, this variant has not been reported in the literature. This variant is reported in 0.020% of alleles in individuals of African descent in gnomAD. At this time, the clinical significance of this variant is uncertain due to the absence of conclusive functional and genetic evidence.

Labcorp Genetics (formerly Invitae), Labcorp
Classification: Likely benign. Last evaluated: 2025-10-10. Review status: criteria provided, single submitter. Criteria: Invitae Variant Classification Sherloc (09022015). Collection method: clinical testing. Allele origin: germline.

Ambry Genetics
Classification: Uncertain significance for Inborn genetic diseases. Last evaluated: 2024-01-08. Review status: criteria provided, single submitter. Criteria: Ambry Variant Classification Scheme 2023. Collection method: clinical testing. Allele origin: germline.

GeneDx
Classification: Uncertain significance. Last evaluated: 2022-11-18. Review status: criteria provided, single submitter. Criteria: GeneDx Variant Classification Process June 2021. Collection method: clinical testing. Allele origin: germline. Affected: yes.
Comment: In silico analysis supports that this missense variant has a deleterious effect on protein structure/function; Has not been previously published as pathogenic or benign to our knowledge; This variant is associated with the following publications: (PMID: 21520338, 31554319, 9590290)